The following is an entry in ClinVar:

ClinVar aggregate classification (germline): Likely benign. Review status: criteria provided, multiple submitters, no conflicts (2 of 4 stars). 6 submissions from 6 submitters: Likely benign (5). 1 of the submissions does not count toward it. Last evaluated 2026-01-11.

Conditions:
RYR1-related disorder. Also called: RYR1-related disorders; RYR1-related condition. Identifiers: MedGen CN239331.
Malignant hyperthermia, susceptibility to, 1 (MHS1). Also called: Anesthesia related hyperthermia; Malignant hyperpyrexia; Fulminating hyperpyrexia; Pharmacogenic myopathy; RYR1-Related Malignant Hyperthermia Susceptibility; Malignant hyperthermia suceptibility 1. Identifiers: Orphanet 423, MedGen C2930980, MONDO:0007783, OMIM 145600.

Allele frequency attached by ClinVar (database versions not stated): gnomAD exomes 0.00004; ExAC 0.00006; TOPMed 0.00006; gnomAD 0.00011.
gnomAD v4.1: 88 of 1,606,814 alleles (0.0055%); highest among the groups gnomAD compares: Non-Finnish European, 0.0071%; no homozygotes.

Submissions (6):

Labcorp Genetics (formerly Invitae), Labcorp
Classification: Likely benign for RYR1-related disorder. Last evaluated: 2026-01-11. Review status: criteria provided, single submitter. Criteria: Invitae Variant Classification Sherloc (09022015). Collection method: clinical testing. Allele origin: germline.

Mayo Clinic Laboratories, Mayo Clinic
Classification: Likely benign. Last evaluated: 2025-05-14. Review status: criteria provided, single submitter. Criteria: ACMG Guidelines, 2015. Collection method: clinical testing. Allele origin: germline. Observed: 1 variant allele.
Comment: BP4, BP7

All of Us Research Program, National Institutes of Health
Classification: Likely benign for Malignant hyperthermia, susceptibility to, 1. Last evaluated: 2023-12-13. Review status: criteria provided, single submitter. Criteria: ACMG Guidelines, 2015. Collection method: clinical testing. Allele origin: germline. Inheritance: Autosomal dominant inheritance. Observed: 31 variant alleles, 31 heterozygotes.
Comment: This study involves interpretation of variants in research participants for the purpose of population health screening. Participant phenotype was not available at the time of variant classification. Additional details can be found in publication PMID: 35346344, PMCID: PMC8962531

CeGaT Center for Human Genetics Tuebingen
Classification: Likely benign. Last evaluated: 2023-07-01. Review status: criteria provided, single submitter. Criteria: CeGaT Center For Human Genetics Tuebingen Variant Classification Criteria Version 2. Collection method: clinical testing. Allele origin: germline. Affected: yes. Observed: 3 variant alleles.
Comment: RYR1: BP4, BP7

Color Diagnostics, LLC DBA Color Health
Classification: Likely benign for Malignant hyperthermia, susceptibility to, 1. Last evaluated: 2022-11-06. Review status: criteria provided, single submitter. Criteria: ACMG Guidelines, 2015. Collection method: clinical testing. Allele origin: germline.

PreventionGenetics, part of Exact Sciences
Classification: Likely benign for RYR1-related condition. Last evaluated: 2020-08-01. Review status: no assertion criteria provided. Collection method: clinical testing. Allele origin: germline. Not counted in ClinVar's aggregate classification.
Comment: This variant is classified as likely benign based on ACMG/AMP sequence variant interpretation guidelines (Richards et al. 2015 PMID: 25741868, with internal and published modifications).

NM_000540.3(RYR1):c.10281G>A (p.Pro3427=)

Gene: RYR1 (ryanodine receptor 1; plus strand). Cytogenetic location: 19q13.2.
Variant type: single nucleotide variant.
Coding change: c.10281G>A on transcript NM_000540.3 (MANE Select); coding-DNA position 10281, G replaced by A.
Protein change: p.Pro3427=; no amino-acid change (proline 3427 retained).
Molecular consequence: synonymous variant.
Genome position (GRCh38, 1-based): chr19:38,523,049, G>A. VCF-style: chr19-38523049-G-A. GRCh37 (hg19) VCF-style: chr19-39013689-G-A.
Other names: p.Pro3427=; c.10281G>A, p.Pro3427= (NM_001042723.2).
Identifiers: ClinVar variation 697766 (VCV000697766.39), dbSNP rs549379396, ClinGen allele CA053009.